The following is an entry in ClinVar:

NM_000023.4(SGCA):c.266_267delinsCT (p.Leu89Pro)

Gene: SGCA (sarcoglycan alpha; plus strand). Cytogenetic location: 17q21.33.
Variant type: Indel.
Coding change: c.266_267delinsCT on transcript NM_000023.4 (MANE Select); coding-DNA positions 266 to 267, TC replaced by CT.
Protein change: p.Leu89Pro; replaces leucine 89 with proline.
Molecular consequence: missense variant. On other transcripts: non-coding transcript variant (1).
Genome position (GRCh38, 1-based): chr17:50,167,690-50,167,691, TC replaced by CT. VCF-style: chr17-50167690-TC-CT. GRCh37 (hg19) VCF-style: chr17-48245051-TC-CT.
Other names: c.266_267delinsCT, p.Leu89Pro (NM_001135697.3); short protein forms L89P.
Identifiers: ClinVar variation 3366416 (VCV003366416.1).

ClinVar aggregate classification (germline): Uncertain significance (1 of 4 stars; one submission).

Submission:

Women's Health and Genetics/Laboratory Corporation of America, LabCorp
Classification: Uncertain significance. Last evaluated: 2024-08-07. Review status: criteria provided, single submitter. Criteria: LabCorp Variant Classification Summary - May 2015. Collection method: clinical testing. Allele origin: germline.
Comment: Variant summary: SGCA c.266_267delinsCT (p.Leu89Pro) results in a non-conservative amino acid change in the encoded protein sequence. Five of five in-silico tools predict a damaging effect of the variant on protein function. The variant allele was found at a frequency of 4e-06 in 249258 control chromosomes (gnomAD). c.266_267delinsCT has been reported in the literature in individuals affected with Limb-Girdle Muscular Dystrophy, Autosomal Recessive (Dincer_1997, Pogue_2001). These data indicate that the variant may be associated with disease. To our knowledge, no experimental evidence demonstrating an impact on protein function has been reported. The following publications have been ascertained in the context of this evaluation (PMID: 9266733, 11166169). No submitters have cited clinical-significance assessments for this variant to ClinVar. Based on the evidence outlined above, the variant was classified as VUS-possibly pathogenic.

Literature cited by the submitters: PubMed 9266733; PubMed 11166169.